The following is an entry in ClinVar:

NC_000016.9:g.(?_3634764)_(3634878_?)dup

Gene: SLX4 (SLX4 structure-specific endonuclease subunit; minus strand). Cytogenetic location: 16p13.3.
Variant type: Duplication.
Identifiers: ClinVar variation 456069 (VCV000456069.1).

ClinVar aggregate classification (germline): Likely pathogenic (1 of 4 stars; one submission).

Conditions:
Fanconi anemia (FA). Also called: Fanconi's anemia. Identifiers: Orphanet 84, MedGen C0015625, MeSH D005199, MONDO:0019391.

Submission:

Labcorp Genetics (formerly Invitae), Labcorp
Classification: Likely pathogenic for Fanconi anemia. Last evaluated: 2018-01-31. Review status: criteria provided, single submitter. Criteria: Invitae Variant Classification Sherloc (09022015). Collection method: clinical testing. Allele origin: germline.
Comment: This variant is a gross duplication of the genomic region encompassing exon 13 of the SLX4 gene. While the exact position of the duplicated exons cannot be determined from this data, sub-genic duplications are generally in tandem (PMID: 25640679) and may result in an absent or disrupted protein product. This variant has not been reported in the literature in individuals with SLX4-related disease. Loss-of-function variants in SLX4 are known to be pathogenic (PMID: 21240277). In summary, the currently available evidence indicates that the variant is pathogenic, but additional data are needed to prove that conclusively. Therefore, this variant has been classified as Likely Pathogenic.